The following is an entry in ClinVar:

NM_001142800.2(EYS):c.34_35del (p.Met12fs)

Gene: EYS (EGF-like photoreceptor maintenance factor; minus strand). Cytogenetic location: 6q12.
Variant type: Deletion.
Coding change: c.34_35del on transcript NM_001142800.2 (MANE Select); coding-DNA positions 34 to 35, 2 bases deleted (AT; older notation c.34_35delAT).
Protein change: p.Met12fs; shifts the reading frame from methionine 12.
Molecular consequence: frameshift variant.
Genome position (GRCh38, 1-based): chr6:65,495,376-65,495,377, AT deleted on the plus strand (AT on the coding strand, the reverse complement: EYS is on the minus strand). VCF-style (leftmost placement, unchanged base first): chr6-65495375-CAT-C. GRCh37 (hg19) VCF-style: chr6-66205268-CAT-C.
Other names: c.34_35del, p.Met12fs (NM_001142801.2, NM_001292009.2, NM_198283.2); short protein forms M12fs.
Identifiers: ClinVar variation 1065783 (VCV001065783.2), dbSNP rs2127271977, ClinGen allele CA2499218502.
Genomic context (GRCh38, chr6:65,495,375, plus strand): 5'-CCATTCTTCCACCAATTGCCGTCTACATGTTTTTCCATTTATGAAAGAGCTGTGAAAAAC[CAT>C]CAGGCTCAGAATGACGATTGATTTGTCAGTCATTTTCGGGTAGCTGTATTTTACAGTTTA-3'

ClinVar aggregate classification (germline): Likely pathogenic. Review status: criteria provided, multiple submitters, no conflicts (2 of 4 stars). 2 submissions from 2 submitters: Likely pathogenic (2). Last evaluated 2021-09-17.

Conditions:
EYS-related disorder. Also called: EYS-related condition.
Retinitis pigmentosa 25 (RP25). Identifiers: Orphanet 791, MedGen C1864446, MONDO:0011272, OMIM 602772.

Submissions (2):

Blueprint Genetics
Classification: Likely pathogenic for EYS-related disorders. Last evaluated: 2021-09-17. Review status: criteria provided, single submitter. Criteria: ACMG Guidelines, 2015. Collection method: clinical testing. Allele origin: germline. Affected: yes. Observed: 1 variant allele.

Ocular Genomics Institute, Massachusetts Eye and Ear
Classification: Likely pathogenic for Retinitis pigmentosa 25. Last evaluated: 2021-04-08. Review status: criteria provided, single submitter. Criteria: ACMG Guidelines, 2015. Collection method: research. Allele origin: germline. Affected: yes.
Comment: Through a review of available evidence we were able to apply the following criteria: PVS1, PM2. Based on this evidence we have classified this variant as Likely Pathogenic.